The following is an entry in ClinVar:

ClinVar aggregate classification (germline): Likely benign. Review status: criteria provided, single submitter (1 of 4 stars). 2 submissions from 2 submitters: Likely benign (1). 1 of the submissions does not count toward it. Last evaluated 2024-11-11.

Conditions:
Ehlers-Danlos syndrome, spondylodysplastic type, 3. Also called: Ehlers-Danlos syndrome, spondylocheirodysplastic type. Identifiers: Orphanet 157965, MedGen C2676510, MONDO:0012873, OMIM 612350.
SLC39A13-related disorder. Also called: SLC39A13-related condition.

Allele frequency attached by ClinVar (database versions not stated): gnomAD 0.00001; gnomAD exomes 0.00001 and 0.00002; TOPMed 0.00001; ExAC 0.00003; ESP Exome Variant Server 0.00008.
gnomAD v4.1: 22 of 1,613,044 alleles (0.0014%); highest among the groups gnomAD compares: South Asian, 0.0066%; no homozygotes.

Submissions (2):

Labcorp Genetics (formerly Invitae), Labcorp
Classification: Likely benign for Ehlers-Danlos syndrome, spondylodysplastic type, 3. Last evaluated: 2024-11-11. Review status: criteria provided, single submitter. Criteria: Invitae Variant Classification Sherloc (09022015). Collection method: clinical testing. Allele origin: germline.

PreventionGenetics, part of Exact Sciences
Classification: Uncertain significance for SLC39A13-related condition. Last evaluated: 2024-02-27. Review status: no assertion criteria provided. Collection method: clinical testing. Allele origin: germline. Not counted in ClinVar's aggregate classification.
Comment: The SLC39A13 c.968C>T variant is predicted to result in the amino acid substitution p.Ser323Leu. To our knowledge, this variant has not been reported in the literature. This variant is reported in 0.013% of alleles in individuals of South Asian descent in gnomAD. At this time, the clinical significance of this variant is uncertain due to the absence of conclusive functional and genetic evidence.

NM_001128225.3(SLC39A13):c.993C>T (p.Ile331=)

Gene: SLC39A13 (solute carrier family 39 member 13; plus strand). Cytogenetic location: 11p11.2.
Variant type: single nucleotide variant.
Coding change: c.993C>T on transcript NM_001128225.3 (MANE Select); coding-DNA position 993, C replaced by T.
Protein change: p.Ile331=; no amino-acid change (isoleucine 331 retained).
Molecular consequence: synonymous variant. On other transcripts: missense variant (1), non-coding transcript variant (1).
Genome position (GRCh38, 1-based): chr11:47,415,112, C>T. VCF-style: chr11-47415112-C-T. GRCh37 (hg19) VCF-style: chr11-47436663-C-T.
Other names: c.968C>T, p.Ser323Leu (NM_001330245.2); c.972C>T, p.Ile324= (NM_152264.5); c.968C>T (NM_001330245.1); short protein forms S323L.
Identifiers: ClinVar variation 752116 (VCV000752116.10), dbSNP rs368704328, ClinGen allele CA5976023.
Genomic context (GRCh38, chr11:47,415,112, plus strand): 5'-CGCTGCAGAGGAGACGGCAGCCTGGGTCCTGCCCTTCACCTCTGGCGGCTTTCTCTACAT[C>T]GCCTTGGTGAACGTGCTCCCTGACCTCTTGGAAGAAGAGGACCCGTGGTGAGTGACCTGT-3'
Protein context (NP_001121697.2, residues 321-341): LPFTSGGFLY[Ile331=]ALVNVLPDLL